The following is an entry in ClinVar:

ClinVar aggregate classification (germline): Pathogenic/Likely pathogenic. Review status: criteria provided, multiple submitters, no conflicts (2 of 4 stars). 2 submissions from 2 submitters: Pathogenic (1); Likely pathogenic (1). Last evaluated 2026-08-27.

Conditions:
X-linked Alport syndrome (ATS1). Also called: NEPHROPATHY AND DEAFNESS, X-LINKED; COL4A5-Related Nephropathy. Identifiers: Orphanet 63, Orphanet 88917, MedGen C4746986, MONDO:0010520, OMIM 301050.
COL4A5-related disorders.

Submissions (2):

Centre de Génétique Humaine, Institut de Pathologie Et de Génétique
Classification: Pathogenic for X-linked Alport syndrome. Last evaluated: 2026-08-27. Review status: criteria provided, single submitter. Criteria: ACMG Guidelines, 2015. Collection method: clinical testing. Allele origin: germline. Inheritance: X-linked dominant inheritance. Affected: yes. Observed: 2 variant alleles, 2 heterozygotes. Clinical features observed: Microscopic hematuria (HP:0002907), Macroscopic hematuria (HP:0012587). Segregation with disease not observed.
Comment: Variant located in the canonical acceptor splice site of intron 31 (PVS1). This variant is rare: absent in gnomAD v4.1.0 database (PM2). Another variant affecting the same nucleotide described as pathogenic c.2678-2A>C, PMID: 31328266; other variants described in the region position -2 and first nucleotide of exon 32: mutational hot spot (PM1)

Blueprint Genetics
Classification: Likely pathogenic for COL4A5-related disorders. Last evaluated: 2021-10-19. Review status: criteria provided, single submitter. Criteria: ACMG Guidelines, 2015. Collection method: clinical testing. Allele origin: germline. Affected: yes. Observed: 1 variant allele.

NM_033380.3(COL4A5):c.2678-2A>G

Gene: COL4A5 (collagen type IV alpha 5 chain; plus strand). Cytogenetic location: Xq22.3.
Variant type: single nucleotide variant.
Coding change: c.2678-2A>G on transcript NM_033380.3 (MANE Select); the canonical splice acceptor site of the intron before coding-DNA position 2678, A replaced by G.
Molecular consequence: splice acceptor variant.
Genome position (GRCh38, 1-based): chrX:108,621,801, A>G. VCF-style: chrX-108621801-A-G. GRCh37 (hg19) VCF-style: chrX-107865031-A-G.
Other names: c.2678-2A>G (NM_000495.5).
Identifiers: ClinVar variation 4952293 (VCV004952293.2).